The following is an entry in ClinVar:

NM_000548.5(TSC2):c.1960G>C (p.Gly654Arg)

Gene: TSC2 (TSC complex subunit 2; plus strand). Cytogenetic location: 16p13.3.
Variant type: single nucleotide variant.
Coding change: c.1960G>C on transcript NM_000548.5 (MANE Select); coding-DNA position 1960, G replaced by C.
Protein change: p.Gly654Arg; replaces glycine 654 with arginine.
Molecular consequence: missense variant.
Genome position (GRCh38, 1-based): chr16:2,071,797, G>C. VCF-style: chr16-2071797-G-C. GRCh37 (hg19) VCF-style: chr16-2121798-G-C.
Other names: c.1360G>C, p.Gly454Arg (NM_001318831.2); c.1993G>C, p.Gly665Arg (NM_001318832.2); c.1960G>C, p.Gly654Arg (NM_001363528.2, NM_001370404.1, NM_001370405.1 and 3 more transcripts); c.1849G>C, p.Gly617Arg (NM_001318827.2); c.1813G>C, p.Gly605Arg (NM_001318829.2); short protein forms G454R, G605R, G617R, G654R, G665R.
Identifiers: ClinVar variation 1406765 (VCV001406765.6), dbSNP rs397515114, ClinGen allele CA394273606.

ClinVar aggregate classification (germline): Uncertain significance (1 of 4 stars; one submission).

Conditions:
Tuberous sclerosis 2 (TSC2). Identifiers: Orphanet 805, MedGen C1860707, MONDO:0013199, OMIM 613254.

Submission:

Labcorp Genetics (formerly Invitae), Labcorp
Classification: Uncertain significance for Tuberous sclerosis 2. Last evaluated: 2021-09-25. Review status: criteria provided, single submitter. Criteria: Invitae Variant Classification Sherloc (09022015). Collection method: clinical testing. Allele origin: germline.
Comment: In summary, the available evidence is currently insufficient to determine the role of this variant in disease. Therefore, it has been classified as a Variant of Uncertain Significance. Advanced modeling of protein sequence and biophysical properties (such as structural, functional, and spatial information, amino acid conservation, physicochemical variation, residue mobility, and thermodynamic stability) performed at Invitae indicates that this missense variant is not expected to disrupt TSC2 protein function. This missense change has been observed in individual(s) with tuberous sclerosis complex (PMID: 29740858). This variant is not present in population databases (ExAC no frequency). This sequence change replaces glycine with arginine at codon 654 of the TSC2 protein (p.Gly654Arg). The glycine residue is weakly conserved and there is a moderate physicochemical difference between glycine and arginine.

Literature cited by the submitters: PubMed 29740858.